The following is an entry in ClinVar:

NM_018230.3(NUP133):c.2355C>T (p.Val785=)

Gene: NUP133 (nucleoporin 133; minus strand). Cytogenetic location: 1q42.13.
Variant type: single nucleotide variant.
Coding change: c.2355C>T on transcript NM_018230.3 (MANE Select); coding-DNA position 2355, C replaced by T.
Protein change: p.Val785=; no amino-acid change (valine 785 retained).
Molecular consequence: synonymous variant.
Genome position (GRCh38, 1-based): chr1:229,464,820, G>A on the plus strand (C>T on the coding strand, the complement: NUP133 is on the minus strand). VCF-style: chr1-229464820-G-A. GRCh37 (hg19) VCF-style: chr1-229600567-G-A.
Identifiers: ClinVar variation 3054052 (VCV003054052.4), dbSNP rs768710392, ClinGen allele CA38790040.
Genomic context (GRCh38, chr1:229,464,820, plus strand): 5'-CAGCTGCTCGGTCACGATGTTTCGGAGGTTGCTGTCTGCCTGTGGATAAGCCACCTTCAG[G>A]ACAATCTCATGCTGGCGTATTATTACCGTTCGGATGCCACCAGGACCACTTGTTGCTGTG-3'
Protein context (NP_060700.2, residues 775-795): RTVIIRQHEI[Val785=]LKVAYPQADS

ClinVar aggregate classification (germline): Likely benign. Review status: criteria provided, single submitter (1 of 4 stars). 2 submissions from 2 submitters: Likely benign (1). 1 of the submissions does not count toward it. Last evaluated 2025-06-12.

Conditions:
NUP133-related disorder. Also called: NUP133-related condition.

Allele frequency attached by ClinVar (database versions not stated): TOPMed 0.00002; gnomAD exomes 0.00009; gnomAD 0.00001.
gnomAD v4.1: 127 of 1,614,044 alleles (0.0079%); highest among the groups gnomAD compares: Non-Finnish European, 0.011%; no homozygotes.

Submissions (2):

Labcorp Genetics (formerly Invitae), Labcorp
Classification: Likely benign. Last evaluated: 2025-06-12. Review status: criteria provided, single submitter. Criteria: Invitae Variant Classification Sherloc (09022015). Collection method: clinical testing. Allele origin: germline.

PreventionGenetics, part of Exact Sciences
Classification: Likely benign for NUP133-related condition. Last evaluated: 2023-12-04. Review status: no assertion criteria provided. Collection method: clinical testing. Allele origin: germline. Not counted in ClinVar's aggregate classification.
Comment: This variant is classified as likely benign based on ACMG/AMP sequence variant interpretation guidelines (Richards et al. 2015 PMID: 25741868, with internal and published modifications).